The following is an entry in ClinVar:

ClinVar aggregate classification (germline): Uncertain significance (1 of 4 stars; one submission).

Submission:

CeGaT Center for Human Genetics Tuebingen
Classification: Uncertain significance. Last evaluated: 2022-08-01. Review status: criteria provided, single submitter. Criteria: CeGaT Center For Human Genetics Tuebingen Variant Classification Criteria Version 2. Collection method: clinical testing. Allele origin: germline. Affected: yes. Observed: 1 variant allele.
Comment: DNM1L: PM2, PP2, PP3

NM_012062.5(DNM1L):c.1205C>T (p.Pro402Leu)

Gene: DNM1L (dynamin 1L; plus strand). Cytogenetic location: 12p11.21.
Variant type: single nucleotide variant.
Coding change: c.1205C>T on transcript NM_012062.5 (MANE Select); coding-DNA position 1205, C replaced by T.
Protein change: p.Pro402Leu; replaces proline 402 with leucine.
Molecular consequence: missense variant.
Genome position (GRCh38, 1-based): chr12:32,731,360, C>T. VCF-style: chr12-32731360-C-T. GRCh37 (hg19) VCF-style: chr12-32884294-C-T.
Other names: c.1205C>T, p.Pro402Leu (NM_001278463.2, NM_005690.5, NM_012063.4); c.1244C>T, p.Pro415Leu (NM_001278464.2, NM_001278465.2, NM_001330380.2); c.596C>T, p.Pro199Leu (NM_001278466.2); short protein forms P199L, P402L, P415L.
Identifiers: ClinVar variation 2642839 (VCV002642839.24), dbSNP rs2541080617, ClinGen allele CA384357644.